The following is an entry in ClinVar:

ClinVar aggregate classification (germline): Uncertain significance (1 of 4 stars; one submission).

Conditions:
Familial adenomatous polyposis 2. Also called: MUTYH-associated polyposis; MUTYH-related attenuated familial adenomatous polyposis; COLORECTAL ADENOMATOUS POLYPOSIS, AUTOSOMAL RECESSIVE; ADENOMAS, MULTIPLE COLORECTAL, AUTOSOMAL RECESSIVE; FAP type 2; MUTYH Polyposis. Identifiers: Orphanet 220460, Orphanet 247798, MedGen C3272841, MONDO:0012041, OMIM 608456.

gnomAD v4.1: 1 of 1,614,052 alleles (0.000062%); highest among the groups gnomAD compares: Non-Finnish European, 0.000085%; no homozygotes.

Submission:

Labcorp Genetics (formerly Invitae), Labcorp
Classification: Uncertain significance for Familial adenomatous polyposis 2. Last evaluated: 2022-09-01. Review status: criteria provided, single submitter. Criteria: Invitae Variant Classification Sherloc (09022015). Collection method: clinical testing. Allele origin: germline.
Comment: This variant is not present in population databases (gnomAD no frequency). In summary, the available evidence is currently insufficient to determine the role of this variant in disease. Therefore, it has been classified as a Variant of Uncertain Significance. Algorithms developed to predict the effect of missense changes on protein structure and function are either unavailable or do not agree on the potential impact of this missense change (SIFT: "Deleterious"; PolyPhen-2: "Benign"; Align-GVGD: "Class C55"). ClinVar contains an entry for this variant (Variation ID: 1510670). This variant has not been reported in the literature in individuals affected with MUTYH-related conditions. This sequence change replaces alanine, which is neutral and non-polar, with glycine, which is neutral and non-polar, at codon 281 of the MUTYH protein (p.Ala281Gly).

NM_001048174.2(MUTYH):c.758C>G (p.Ala253Gly)

Gene: MUTYH (mutY DNA glycosylase; minus strand). Cytogenetic location: 1p34.1.
Variant type: single nucleotide variant.
Coding change: c.758C>G on transcript NM_001048174.2 (MANE Select); coding-DNA position 758, C replaced by G.
Protein change: p.Ala253Gly; replaces alanine 253 with glycine.
Molecular consequence: missense variant. On other transcripts: non-coding transcript variant (2).
Genome position (GRCh38, 1-based): chr1:45,332,257, G>C on the plus strand (C>G on the coding strand, the complement: MUTYH is on the minus strand). VCF-style: chr1-45332257-G-C. GRCh37 (hg19) VCF-style: chr1-45797929-G-C.
Other names: c.758C>G, p.Ala253Gly (NM_001048171.2, NM_001048173.2, NM_001293195.2); c.761C>G, p.Ala254Gly (NM_001048172.2); c.842C>G, p.Ala281Gly (NM_001128425.2); c.803C>G, p.Ala268Gly (NM_001293190.2); c.791C>G, p.Ala264Gly (NM_001293191.2); c.482C>G, p.Ala161Gly (NM_001293192.2, NM_001293196.2); c.413C>G, p.Ala138Gly (NM_001350650.2, NM_001350651.2); c.833C>G, p.Ala278Gly (NM_012222.3); short protein forms A138G, A254G, A281G, A253G, A161G, A268G, A278G, A264G.
Identifiers: ClinVar variation 1510670 (VCV001510670.6), dbSNP rs1060501329, ClinGen allele CA340134611.